The following is an entry in ClinVar:

NM_006389.5(HYOU1):c.1111G>C (p.Glu371Gln)

Gene: HYOU1 (hypoxia up-regulated 1; minus strand). Cytogenetic location: 11q23.3.
Variant type: single nucleotide variant.
Coding change: c.1111G>C on transcript NM_006389.5 (MANE Select); coding-DNA position 1111, G replaced by C.
Protein change: p.Glu371Gln; replaces glutamic acid 371 with glutamine.
Molecular consequence: missense variant.
Genome position (GRCh38, 1-based): chr11:119,052,306, C>G on the plus strand (G>C on the coding strand, the complement: HYOU1 is on the minus strand). VCF-style: chr11-119052306-C-G. GRCh37 (hg19) VCF-style: chr11-118923018-C-G.
Other names: c.1111G>C, p.Glu371Gln (NM_001130991.3); c.1111G>C (NM_006389.4); short protein forms E371Q.
Identifiers: ClinVar variation 1551528 (VCV001551528.10), dbSNP rs201660855, ClinGen allele CA229623061.
Genomic context (GRCh38, chr11:119,052,306, plus strand): 5'-TCCTATGCCCTTTCCTACGGGGCATTCCCGCCTTCCCCTACTCGCTCACCAGACTCATTT[C>G]GGCACTCTGGAGGGCCTGCTGTACAGGCCCAGGCACCCGCTCAAACAAGTCTGCACACAA-3'
Protein context (NP_006380.1, residues 361-381): GPVQQALQSA[Glu371Gln]MSLDEIEQVI

ClinVar aggregate classification (germline): Likely benign. Review status: criteria provided, single submitter (1 of 4 stars). 2 submissions from 2 submitters: Likely benign (1). 1 of the submissions does not count toward it. Last evaluated 2026-01-11.

Conditions:
HYOU1-related disorder. Also called: HYOU1-related condition.

Allele frequency attached by ClinVar (database versions not stated): 1000 Genomes Project 30x 0.00187.
gnomAD v4.1: 290 of 1,614,226 alleles (0.018%); highest among the groups gnomAD compares: East Asian, 0.5%; 2 homozygotes.

Submissions (2):

Labcorp Genetics (formerly Invitae), Labcorp
Classification: Likely benign. Last evaluated: 2026-01-11. Review status: criteria provided, single submitter. Criteria: Invitae Variant Classification Sherloc (09022015). Collection method: clinical testing. Allele origin: germline.

PreventionGenetics, part of Exact Sciences
Classification: Likely benign for HYOU1-related condition. Last evaluated: 2023-05-18. Review status: no assertion criteria provided. Collection method: clinical testing. Allele origin: germline. Not counted in ClinVar's aggregate classification.
Comment: This variant is classified as likely benign based on ACMG/AMP sequence variant interpretation guidelines (Richards et al. 2015 PMID: 25741868, with internal and published modifications).